The following is an entry in ClinVar:

ClinVar aggregate classification (germline): Uncertain significance (1 of 4 stars; one submission).

Allele frequency attached by ClinVar (database versions not stated): gnomAD exomes below 0.00001.

Submission:

Labcorp Genetics (formerly Invitae), Labcorp
Classification: Uncertain significance. Last evaluated: 2022-09-09. Review status: criteria provided, single submitter. Criteria: Invitae Variant Classification Sherloc (09022015). Collection method: clinical testing. Allele origin: germline.
Comment: This sequence change replaces proline, which is neutral and non-polar, with serine, which is neutral and polar, at codon 1033 of the GRIN2D protein (p.Pro1033Ser). In summary, the available evidence is currently insufficient to determine the role of this variant in disease. Therefore, it has been classified as a Variant of Uncertain Significance. Advanced modeling of protein sequence and biophysical properties (such as structural, functional, and spatial information, amino acid conservation, physicochemical variation, residue mobility, and thermodynamic stability) performed at Invitae indicates that this missense variant is not expected to disrupt GRIN2D protein function. This variant has not been reported in the literature in individuals affected with GRIN2D-related conditions. The frequency data for this variant in the population databases is considered unreliable, as metrics indicate insufficient coverage at this position in the gnomAD database.

NM_000836.4(GRIN2D):c.3097C>T (p.Pro1033Ser)

Gene: GRIN2D (glutamate ionotropic receptor NMDA type subunit 2D; plus strand). Cytogenetic location: 19q13.33.
Variant type: single nucleotide variant.
Coding change: c.3097C>T on transcript NM_000836.4 (MANE Select); coding-DNA position 3097, C replaced by T.
Protein change: p.Pro1033Ser; replaces proline 1033 with serine.
Molecular consequence: missense variant.
Genome position (GRCh38, 1-based): chr19:48,443,023, C>T. VCF-style: chr19-48443023-C-T. GRCh37 (hg19) VCF-style: chr19-48946280-C-T.
Other names: short protein forms P1033S.
Identifiers: ClinVar variation 1719096 (VCV001719096.5), dbSNP rs2513692460, ClinGen allele CA406674871.